The following is an entry in ClinVar:

NM_001384900.1(SEMA3D):c.2194G>A (p.Glu732Lys)

Genes: SEMA3D (semaphorin 3D; minus strand), LOC126860094 (BRD4-independent group 4 enhancer GRCh37_chr7:84628763-84629962; plus strand). Cytogenetic location: 7q21.11.
Variant type: single nucleotide variant.
Coding change: c.2194G>A on transcript NM_001384900.1 (MANE Select); coding-DNA position 2194, G replaced by A.
Protein change: p.Glu732Lys; replaces glutamic acid 732 with lysine.
Molecular consequence: missense variant.
Genome position (GRCh38, 1-based): chr7:84,999,580, C>T on the plus strand (G>A on the coding strand, the complement: SEMA3D is on the minus strand). VCF-style: chr7-84999580-C-T. GRCh37 (hg19) VCF-style: chr7-84628896-C-T.
Other names: c.2194G>A, p.Glu732Lys (NM_001384901.1, NM_001384902.1, NM_001384903.1 and 1 more transcripts); short protein forms E732K.
Identifiers: ClinVar variation 2636865 (VCV002636865.3), dbSNP rs749668447, ClinGen allele CA4323193.
Genomic context (GRCh38, chr7:84,999,580, plus strand): 5'-GCTTCCACTTTGGGCCCCCCTTGTTTCTCTGTCTCCGCTTCTCCCTGTGCCACATCTGTT[C>T]GCAGTACTGGTCGAGGCTGAAGTTTGGGCTGCTAAGGATTTGGATGTAGTCTTTGTATCT-3'
Protein context (NP_001371829.1, residues 722-742): SPNFSLDQYC[Glu732Lys]QMWHREKRRQ

ClinVar aggregate classification (germline): Uncertain significance (0 of 4 stars; one submission).

Conditions:
SEMA3D-related disorder. Also called: SEMA3D-related condition.

Allele frequency attached by ClinVar (database versions not stated): ExAC 0.00001; gnomAD exomes 0.00001; TOPMed 0.00003; gnomAD 0.00006.
gnomAD v4.1: 28 of 1,614,106 alleles (0.0017%); highest among the groups gnomAD compares: African/African-American, 0.004%; no homozygotes.

Submission:

PreventionGenetics, part of Exact Sciences
Classification: Uncertain significance for SEMA3D-related condition. Last evaluated: 2024-01-25. Review status: no assertion criteria provided. Collection method: clinical testing. Allele origin: germline.
Comment: The SEMA3D c.2194G>A variant is predicted to result in the amino acid substitution p.Glu732Lys. To our knowledge, this variant has not been reported in the literature. This variant is reported in 0.0023% of alleles in individuals of European (Non-Finnish) descent in gnomAD. At this time, the clinical significance of this variant is uncertain due to the absence of conclusive functional and genetic evidence.